The following is an entry in ClinVar:

ClinVar aggregate classification (germline): Uncertain significance (1 of 4 stars; one submission).

gnomAD v4.1: 23 of 1,535,094 alleles (0.0015%); highest among the groups gnomAD compares: Middle Eastern, 0.017%; no homozygotes.

Submission:

Mayo Clinic Laboratories, Mayo Clinic
Classification: Uncertain significance. Last evaluated: 2025-10-01. Review status: criteria provided, single submitter. Criteria: ACMG Guidelines, 2015. Collection method: clinical testing. Allele origin: germline. Observed: 1 variant allele.
Comment: BP4_moderate

NM_001256071.3(RNF213):c.4295G>A (p.Arg1432Gln)

Gene: RNF213 (ring finger protein 213; plus strand). Cytogenetic location: 17q25.3.
Variant type: single nucleotide variant.
Coding change: c.4295G>A on transcript NM_001256071.3 (MANE Select); coding-DNA position 4295, G replaced by A.
Protein change: p.Arg1432Gln; replaces arginine 1432 with glutamine.
Molecular consequence: missense variant.
Genome position (GRCh38, 1-based): chr17:80,334,256, G>A. VCF-style: chr17-80334256-G-A. GRCh37 (hg19) VCF-style: chr17-78308056-G-A.
Other names: p.Arg1432Gln; c.4442G>A, p.Arg1481Gln (NM_001410195.1, NM_020914.5); short protein forms R1481Q, R1432Q.
Identifiers: ClinVar variation 4542231 (VCV004542231.1).